The following is an entry in ClinVar:

NM_000545.8(HNF1A):c.370C>T (p.Gln124Ter)

Gene: HNF1A (HNF1 homeobox A; plus strand). Cytogenetic location: 12q24.31.
Variant type: single nucleotide variant.
Coding change: c.370C>T on transcript NM_000545.8 (MANE Select); coding-DNA position 370, C replaced by T.
Protein change: p.Gln124Ter; replaces glutamine 124 with a stop codon.
Molecular consequence: nonsense.
Genome position (GRCh38, 1-based): chr12:120,988,876, C>T. VCF-style: chr12-120988876-C-T. GRCh37 (hg19) VCF-style: chr12-121426679-C-T.
Other names: NM_000545.8(HNF1A):c.370C>T; p.Gln124Ter; c.370C>T, p.Gln124Ter (NM_001306179.2); short protein forms Q124*.
Identifiers: ClinVar variation 586791 (VCV000586791.2), dbSNP rs1565883507, ClinGen allele CA386959170.

ClinVar aggregate classification (germline): Likely pathogenic. Review status: reviewed by expert panel (3 of 4 stars). 3 submissions from 3 submitters: Likely pathogenic (1). 2 of the submissions do not count toward it. Last evaluated 2024-12-09.

Conditions:
Monogenic diabetes. Identifiers: Orphanet 183625, MedGen C3888631, MONDO:0015967.
Maturity-onset diabetes of the young (MODY). Also called: Maturity onset diabetes mellitus in young. Identifiers: Orphanet 552, MedGen C0342276, MONDO:0018911, HP:0004904.

Submissions (3):

ClinGen Monogenic Diabetes Variant Curation Expert Panel
Classification: Likely pathogenic for Monogenic diabetes. Last evaluated: 2024-12-09. Review status: reviewed by expert panel. Criteria: ClinGen Diabetes ACMG Specifications HNF1A V2.1.0. Collection method: curation. Allele origin: germline. Inheritance: Autosomal dominant inheritance.
Comment: The c.370C>T variant in the HNF1 homeobox A gene, HNF1A, results in a premature termination at codon 124 (p.(Gln124Ter)) of NM_000545.8. This variant, located in biologically-relevant exon 2 of 10, is predicted to lead to nonsense mediated decay in a gene in which loss-of-function is an established disease mechanism (PVS1; PMID: 23348805). This variant is absent from gnomAD v2.1.1 (PM2_Supporting). This variant was identified in two unrelated individuals with non-autoimmune and non-absolute/near-absolute insulin-deficient diabetes; however, PS4_Moderate cannot be applied because this number is below the ClinGen MDEP threshold (PMIDs: 15928245, 25953829). In summary, c.370C>T meets the criteria to be classified as likely pathogenic for monogenic diabetes. ACMG/AMP criteria applied, as specified by the ClinGen MDEP (specification version 2.1.0, approved 8/11/2023): PVS1, PM2_Supporting.

Athena Diagnostics
Classification: Pathogenic. Last evaluated: 2018-05-04. Review status: criteria provided, single submitter. Criteria: Athena Diagnostics Criteria. Collection method: clinical testing. Allele origin: germline. Not counted in ClinVar's aggregate classification.

Clinical Genomics, Uppaluri K&H Personalized Medicine Clinic
Classification: Pathogenic for Maturity-onset diabetes of the young. Review status: criteria provided, single submitter. Criteria: K & H Uppaluri Personalized Medicine Clinic Variant Classification & Assertion Criteria_Updated V.1. Collection method: research. Allele origin: unknown. Inheritance: Autosomal dominant inheritance. Not counted in ClinVar's aggregate classification.
Comment: Mutations in HNF1A gene can predispose to MODY3. It is associated with both micro and macrovascular complications of diabetes, especially cardiovascular complications. Associated with glucosuria. May respond well to sulfonylureas. However, more evidence is required to confer the association of this particular variant rs1565883507 with MODY3.

Literature cited by the submitters: PubMed 15928245 (cited by Athena Diagnostics); PubMed 31517624 (cited by Clinical Genomics, Uppaluri K&H Personalized Medicine Clinic); PubMed 32395877 (cited by Clinical Genomics, Uppaluri K&H Personalized Medicine Clinic); PubMed 35328643 (cited by Clinical Genomics, Uppaluri K&H Personalized Medicine Clinic); PubMed 35673428 (cited by Clinical Genomics, Uppaluri K&H Personalized Medicine Clinic).